The following is an entry in ClinVar:

NM_015189.3(EXOC6B):c.26C>T (p.Ala9Val)

Gene: EXOC6B (exocyst complex component 6B; minus strand). Cytogenetic location: 2p13.2.
Variant type: single nucleotide variant.
Coding change: c.26C>T on transcript NM_015189.3 (MANE Select); coding-DNA position 26, C replaced by T.
Protein change: p.Ala9Val; replaces alanine 9 with valine.
Molecular consequence: missense variant. On other transcripts: 5 prime UTR variant (1), non-coding transcript variant (2).
Genome position (GRCh38, 1-based): chr2:72,825,885, G>A on the plus strand (C>T on the coding strand, the complement: EXOC6B is on the minus strand). VCF-style: chr2-72825885-G-A. GRCh37 (hg19) VCF-style: chr2-73053014-G-A.
Other names: c.26C>T, p.Ala9Val (NM_001321729.2, NM_001321730.2, NM_001321731.2 and 1 more transcripts); c.-148C>T (NM_001321734.2); short protein forms A9V.
Identifiers: ClinVar variation 1499757 (VCV001499757.3), dbSNP rs759997229, ClinGen allele CA50148348.

ClinVar aggregate classification (germline): Uncertain significance (1 of 4 stars; one submission).

Allele frequency attached by ClinVar (database versions not stated): gnomAD 0.00001 and 0.00002; TOPMed 0.00002.
gnomAD v4.1: 23 of 1,613,106 alleles (0.0014%); highest among the groups gnomAD compares: Non-Finnish European, 0.0019%; no homozygotes.

Submission:

Labcorp Genetics (formerly Invitae), Labcorp
Classification: Uncertain significance. Last evaluated: 2021-10-27. Review status: criteria provided, single submitter. Criteria: Invitae Variant Classification Sherloc (09022015). Collection method: clinical testing. Allele origin: germline.
Comment: This sequence change replaces alanine, which is neutral and non-polar, with valine, which is neutral and non-polar, at codon 9 of the EXOC6B protein (p.Ala9Val). This variant is present in population databases (no rsID available, gnomAD 0.0008%). This variant has not been reported in the literature in individuals affected with EXOC6B-related conditions. Experimental studies and prediction algorithms are not available or were not evaluated, and the functional significance of this variant is currently unknown. In summary, the available evidence is currently insufficient to determine the role of this variant in disease. Therefore, it has been classified as a Variant of Uncertain Significance.